The following is an entry in ClinVar:

ClinVar aggregate classification (germline): Uncertain significance (1 of 4 stars; one submission).

Conditions:
Landau-Kleffner syndrome (FESD). Also called: EPILEPSY, FOCAL, WITH SPEECH DISORDER AND WITH OR WITHOUT MENTAL RETARDATION; APHASIA, ACQUIRED, WITH EPILEPSY. Identifiers: Orphanet 1945, Orphanet 725, Orphanet 98818, MedGen C0282512, MONDO:0009509, OMIM 245570.

Submission:

Labcorp Genetics (formerly Invitae), Labcorp
Classification: Uncertain significance for Landau-Kleffner syndrome. Last evaluated: 2023-09-27. Review status: criteria provided, single submitter. Criteria: Invitae Variant Classification Sherloc (09022015). Collection method: clinical testing. Allele origin: germline.
Comment: In summary, the available evidence is currently insufficient to determine the role of this variant in disease. Therefore, it has been classified as a Variant of Uncertain Significance. Advanced modeling of protein sequence and biophysical properties (such as structural, functional, and spatial information, amino acid conservation, physicochemical variation, residue mobility, and thermodynamic stability) performed at Invitae indicates that this missense variant is expected to disrupt GRIN2A protein function. This variant has not been reported in the literature in individuals affected with GRIN2A-related conditions. This variant is not present in population databases (gnomAD no frequency). This sequence change replaces glycine, which is neutral and non-polar, with glutamic acid, which is acidic and polar, at codon 532 of the GRIN2A protein (p.Gly532Glu).

NM_001134407.3(GRIN2A):c.1595G>A (p.Gly532Glu)

Gene: GRIN2A (glutamate ionotropic receptor NMDA type subunit 2A; minus strand). Cytogenetic location: 16p13.2.
Variant type: single nucleotide variant.
Coding change: c.1595G>A on transcript NM_001134407.3 (MANE Select); coding-DNA position 1595, G replaced by A.
Protein change: p.Gly532Glu; replaces glycine 532 with glutamic acid.
Molecular consequence: missense variant.
Genome position (GRCh38, 1-based): chr16:9,840,703, C>T on the plus strand (G>A on the coding strand, the complement: GRIN2A is on the minus strand). VCF-style: chr16-9840703-C-T. GRCh37 (hg19) VCF-style: chr16-9934560-C-T.
Other names: c.1595G>A, p.Gly532Glu (NM_000833.5, NM_001134408.2); short protein forms G532E.
Identifiers: ClinVar variation 2763862 (VCV002763862.3), dbSNP rs1085307961, ClinGen allele CA394800295.